The following is an entry in ClinVar:

NM_001082486.2(ACD):c.758C>A (p.Pro253Gln)

Gene: ACD (ACD shelterin complex subunit and telomerase recruitment factor; minus strand). Cytogenetic location: 16q22.1.
Variant type: single nucleotide variant.
Coding change: c.758C>A on transcript NM_001082486.2 (MANE Select); coding-DNA position 758, C replaced by A.
Protein change: p.Pro253Gln; replaces proline 253 with glutamine.
Molecular consequence: missense variant. On other transcripts: intron variant (1).
Genome position (GRCh38, 1-based): chr16:67,658,626, G>T on the plus strand (C>A on the coding strand, the complement: ACD is on the minus strand). VCF-style: chr16-67658626-G-T. GRCh37 (hg19) VCF-style: chr16-67692529-G-T.
Other names: c.749C>A, p.Pro250Gln (NM_022914.3); c.742+94C>A (NM_001410884.1); short protein forms P250Q, P253Q.
Identifiers: ClinVar variation 3232628 (VCV003232628.1), dbSNP rs752205833, ClinGen allele CA8114539.
Genomic context (GRCh38, chr16:67,658,626, plus strand): 5'-GGTGAGGAAGGAGGAGAGGCTATGAGGGTCAGAGATAGGTCCTGCAGAGCCGGGTCTGGT[G>T]GGGGCAGCTCAGGGCCTGGGGGGTTCAGGAAGTCTTATCAGCACTGTGGACCTGGGCCCC-3'
Protein context (NP_001075955.2, residues 243-263): CQRTQGPELP[Pro253Gln]PDPALQDLSL

ClinVar aggregate classification (germline): Uncertain significance (1 of 4 stars; one submission).

Conditions:
Inborn genetic diseases. Identifiers: MedGen C0950123, MeSH D030342.

Allele frequency attached by ClinVar (database versions not stated): ExAC 0.00001.

Submission:

Ambry Genetics
Classification: Uncertain significance for Inborn genetic diseases. Last evaluated: 2023-12-15. Review status: criteria provided, single submitter. Criteria: Ambry Variant Classification Scheme 2023. Collection method: clinical testing. Allele origin: germline.
Comment: The p.P339Q variant (also known as c.1016C>A), located in coding exon 9 of the ACD gene, results from a C to A substitution at nucleotide position 1016. The proline at codon 339 is replaced by glutamine, an amino acid with similar properties. This amino acid position is conserved. In addition, this alteration is predicted to be tolerated by in silico analysis. Since supporting evidence is limited at this time, the clinical significance of this alteration remains unclear.